The following is an entry in ClinVar:

ClinVar aggregate classification (germline): Uncertain significance (1 of 4 stars; one submission).

Conditions:
Baller-Gerold syndrome (BGS). Also called: CRANIOSYNOSTOSIS WITH RADIAL DEFECTS. Identifiers: Orphanet 1225, MedGen C0265308, MONDO:0009039, OMIM 218600.

Submission:

Labcorp Genetics (formerly Invitae), Labcorp
Classification: Uncertain significance for Baller-Gerold syndrome. Last evaluated: 2024-03-15. Review status: criteria provided, single submitter. Criteria: Invitae Variant Classification Sherloc (09022015). Collection method: clinical testing. Allele origin: germline.
Comment: This sequence change replaces glutamine, which is neutral and polar, with lysine, which is basic and polar, at codon 880 of the RECQL4 protein (p.Gln880Lys). This variant is not present in population databases (gnomAD no frequency). This variant has not been reported in the literature in individuals affected with RECQL4-related conditions. ClinVar contains an entry for this variant (Variation ID: 1995386). Experimental studies and prediction algorithms are not available or were not evaluated, and the functional significance of this variant is currently unknown. In summary, the available evidence is currently insufficient to determine the role of this variant in disease. Therefore, it has been classified as a Variant of Uncertain Significance.

NM_004260.4(RECQL4):c.2638C>A (p.Gln880Lys)

Gene: RECQL4 (RecQ like helicase 4; minus strand). Cytogenetic location: 8q24.3.
Variant type: single nucleotide variant.
Coding change: c.2638C>A on transcript NM_004260.4 (MANE Select); coding-DNA position 2638, C replaced by A.
Protein change: p.Gln880Lys; replaces glutamine 880 with lysine.
Molecular consequence: missense variant.
Genome position (GRCh38, 1-based): chr8:144,512,964, G>T on the plus strand (C>A on the coding strand, the complement: RECQL4 is on the minus strand). VCF-style: chr8-144512964-G-T. GRCh37 (hg19) VCF-style: chr8-145738347-G-T.
Other names: c.2344C>A, p.Gln782Lys (NM_001413017.1); c.2440C>A, p.Gln814Lys (NM_001413018.1); c.2638C>A, p.Gln880Lys (NM_001413019.1, NM_001413036.1); c.2542C>A, p.Gln848Lys (NM_001413020.1); c.1567C>A, p.Gln523Lys (NM_001413021.1, NM_001413022.1, NM_001413023.1 and 5 more transcripts); c.2509C>A, p.Gln837Lys (NM_001413025.1); c.1501C>A, p.Gln501Lys (NM_001413027.1, NM_001413030.1, NM_001413032.1 and 1 more transcripts); c.2287C>A, p.Gln763Lys (NM_001413029.1); and 6 more; short protein forms Q501K, Q836K, Q837K, Q880K, Q391K, Q513K, Q763K, Q782K.
Identifiers: ClinVar variation 1995386 (VCV001995386.4), dbSNP rs2130670832, ClinGen allele CA372676758.